The following is an entry in ClinVar:

ClinVar aggregate classification (germline): Likely benign (0 of 4 stars; one submission).

Conditions:
ADAM22-related disorder. Also called: ADAM22-related condition.

Allele frequency attached by ClinVar (database versions not stated): TOPMed below 0.00001; gnomAD 0.00001.
gnomAD v4.1: 8 of 1,613,062 alleles (0.0005%); highest among the groups gnomAD compares: Non-Finnish European, 0.00068%; no homozygotes.

Submission:

PreventionGenetics, part of Exact Sciences
Classification: Likely benign for ADAM22-related condition. Last evaluated: 2019-08-01. Review status: no assertion criteria provided. Collection method: clinical testing. Allele origin: germline.
Comment: This variant is classified as likely benign based on ACMG/AMP sequence variant interpretation guidelines (Richards et al. 2015 PMID: 25741868, with internal and published modifications).

NM_001324418.2(ADAM22):c.462C>T (p.Cys154=)

Gene: ADAM22 (ADAM metallopeptidase domain 22; plus strand). Cytogenetic location: 7q21.12.
Variant type: single nucleotide variant.
Coding change: c.462C>T on transcript NM_001324418.2 (MANE Select); coding-DNA position 462, C replaced by T.
Protein change: p.Cys154=; no amino-acid change (cysteine 154 retained).
Molecular consequence: synonymous variant.
Genome position (GRCh38, 1-based): chr7:88,108,247, C>T. VCF-style: chr7-88108247-C-T. GRCh37 (hg19) VCF-style: chr7-87737562-C-T.
Other names: c.459C>T, p.Cys153= (NM_001324417.2, NM_001324419.2, NM_001391978.1 and 2 more transcripts); c.462C>T, p.Cys154= (NM_001324420.2, NM_001324421.2, NM_001391976.1 and 6 more transcripts); c.513C>T, p.Cys171= (NM_001391975.1, NM_001391980.1, NM_001391982.1).
Identifiers: ClinVar variation 3035880 (VCV003035880.2), dbSNP rs1258927537, ClinGen allele CA456361365.